The following is an entry in ClinVar:

ClinVar aggregate classification (germline): Likely benign. Review status: criteria provided, multiple submitters, no conflicts (2 of 4 stars). 2 submissions from 2 submitters: Likely benign (2). Last evaluated 2025-10-01.

Allele frequency attached by ClinVar (database versions not stated): gnomAD exomes 0.00001 and 0.00003; ExAC 0.00002; gnomAD 0.00002; TOPMed 0.00004; ESP Exome Variant Server 0.00008.
gnomAD v4.1: 43 of 1,609,728 alleles (0.0027%); highest among the groups gnomAD compares: Non-Finnish European, 0.0035%; no homozygotes.

Submissions (2):

CeGaT Center for Human Genetics Tuebingen
Classification: Likely benign. Last evaluated: 2025-10-01. Review status: criteria provided, single submitter. Criteria: CeGaT Center For Human Genetics Tuebingen Variant Classification Criteria Version 2. Collection method: clinical testing. Allele origin: germline. Affected: yes. Observed: 1 variant allele.
Comment: VAC14: BP4, BP7

Labcorp Genetics (formerly Invitae), Labcorp
Classification: Likely benign. Last evaluated: 2023-07-06. Review status: criteria provided, single submitter. Criteria: Invitae Variant Classification Sherloc (09022015). Collection method: clinical testing. Allele origin: germline.

NM_018052.5(VAC14):c.91C>T (p.Leu31=)

Gene: VAC14 (VAC14 component of PIKFYVE complex; minus strand). Cytogenetic location: 16q22.2.
Variant type: single nucleotide variant.
Coding change: c.91C>T on transcript NM_018052.5 (MANE Select); coding-DNA position 91, C replaced by T.
Protein change: p.Leu31=; no amino-acid change (leucine 31 retained).
Molecular consequence: synonymous variant. On other transcripts: 5 prime UTR variant (1).
Genome position (GRCh38, 1-based): chr16:70,800,810, G>A on the plus strand (C>T on the coding strand, the complement: VAC14 is on the minus strand). VCF-style: chr16-70800810-G-A. GRCh37 (hg19) VCF-style: chr16-70834713-G-A.
Other names: c.-461C>T (NM_001351157.2).
Identifiers: ClinVar variation 736545 (VCV000736545.13), dbSNP rs368856091, ClinGen allele CA8148218.